The following is an entry in ClinVar:

NM_001085487.3(MYSM1):c.2030A>G (p.Gln677Arg)

Gene: MYSM1 (Myb like, SWIRM and MPN domains 1; minus strand). Cytogenetic location: 1p32.1.
Variant type: single nucleotide variant.
Coding change: c.2030A>G on transcript NM_001085487.3 (MANE Select); coding-DNA position 2030, A replaced by G.
Protein change: p.Gln677Arg; replaces glutamine 677 with arginine.
Molecular consequence: missense variant.
Genome position (GRCh38, 1-based): chr1:58,667,039, T>C on the plus strand (A>G on the coding strand, the complement: MYSM1 is on the minus strand). VCF-style: chr1-58667039-T-C. GRCh37 (hg19) VCF-style: chr1-59132711-T-C.
Other names: short protein forms Q677R.
Identifiers: ClinVar variation 3250421 (VCV003250421.1), dbSNP rs2524173932.
Genomic context (GRCh38, chr1:58,667,039, plus strand): 5'-AAAAGGGAGCATTGAGGGGGTGTGCAACCATTTACAGAATATAAATATACATGTAATACC[T>C]GGTATTTAGCTTGTGTGTCAATATCTCGTAAGGAAGGATTAGGATCAAAAGCAGGATGAG-3'
Protein context (NP_001078956.1, residues 667-687): LRDIDTQAKY[Gln677Arg]SYFSRGGAKF

ClinVar aggregate classification (germline): Uncertain significance (1 of 4 stars; one submission).

Conditions:
Bone marrow failure syndrome 4. Identifiers: MedGen C4748257, MONDO:0020856, OMIM 618116.

Submission:

Neuberg Centre For Genomic Medicine, NCGM
Classification: Uncertain significance for Bone marrow failure syndrome 4. Review status: criteria provided, single submitter. Criteria: ACMG Guidelines, 2015. Collection method: clinical testing. Allele origin: germline. Inheritance: Autosomal recessive inheritance. Affected: yes.
Comment: The observed missense variant c.2030A>G (p.Gln677Arg) in MYSM1 gene has not been reported previously as a pathogenic variant nor as a benign variant, to our knowledge. The p.Gln677Arg variant is absent in gnomAD Exomes. This variant has not been submitted to the ClinVar database. The amino acid change p.Gln677Arg in MYSM1 is predicted as conserved by GERP++ and PhyloP across 100 vertebrates. The amino acid Gln at position 677 is changed to a Arg changing protein sequence and it might alter its composition and physico-chemical properties. For these reasons, this variant has been classified as Variant of Uncertain Significance (VUS).